The following is an entry in ClinVar:

ClinVar aggregate classification (germline): Conflicting classifications of pathogenicity. Review status: criteria provided, conflicting classifications (1 of 4 stars). 5 submissions from 5 submitters: Uncertain significance (3); Benign (1); Likely benign (1). Last evaluated 2025-12-09.

Conditions:
Ehlers-Danlos syndrome, classic type (cEDS). Identifiers: Orphanet 287, MedGen C4225429, MONDO:0007522.
Familial thoracic aortic aneurysm and aortic dissection (TAAD). Also called: Thoracic aortic aneurysms and dissections. Identifiers: Orphanet 91387, MedGen C4707243, MONDO:0019625.
Ehlers-Danlos syndrome, classic type, 1 (EDSCL1). Also called: EHLERS-DANLOS SYNDROME, GRAVIS TYPE; EHLERS-DANLOS SYNDROME, SEVERE CLASSIC TYPE; Ehlers-Danlos Syndrome, Classic Type, COL5A1-Related; EDS I; Ehlers-Danlos syndrome, type 1. Identifiers: MedGen C0268335, MONDO:0019567, OMIM 130000.
Ehlers-Danlos syndrome (EDS). Identifiers: Orphanet 98249, MedGen C0013720, MONDO:0020066.

Allele frequency attached by ClinVar (database versions not stated): gnomAD 0.00001 and 0.00003; 1000 Genomes Project 30x 0.00016; 1000 Genomes Project 0.00020; gnomAD exomes 0.00004; TOPMed 0.00004; ExAC 0.00005.
gnomAD v4.1: 119 of 1,613,072 alleles (0.0074%); highest among the groups gnomAD compares: East Asian, 0.16%; 1 homozygote.

Submissions (5):

Labcorp Genetics (formerly Invitae), Labcorp
Classification: Benign for Ehlers-Danlos syndrome, classic type, 1. Last evaluated: 2025-12-09. Review status: criteria provided, single submitter. Criteria: Invitae Variant Classification Sherloc (09022015). Collection method: clinical testing. Allele origin: germline.

GeneDx
Classification: Uncertain significance. Last evaluated: 2024-08-15. Review status: criteria provided, single submitter. Criteria: GeneDx Variant Classification Process June 2021. Collection method: clinical testing. Allele origin: germline. Affected: yes.
Comment: In silico analysis supports that this missense variant has a deleterious effect on protein structure/function; Occurs in the triple helical domain at the X position in the canonical Gly-X-Y repeat; although this variant may have an effect on normal protein folding and function, missense substitution at the X position is not a common mechanism of disease (PMID: 22696272; HGMD); Has not been previously published as pathogenic or benign to our knowledge; This variant is associated with the following publications: (PMID: 22696272)

Ambry Genetics
Classification: Uncertain significance for Familial thoracic aortic aneurysm and aortic dissection. Last evaluated: 2024-02-13. Review status: criteria provided, single submitter. Criteria: Ambry Variant Classification Scheme 2023. Collection method: clinical testing. Allele origin: germline.
Comment: The p.P1457L variant (also known as c.4370C>T), located in coding exon 56 of the COL5A1 gene, results from a C to T substitution at nucleotide position 4370. The proline at codon 1457 is replaced by leucine, an amino acid with similar properties. This amino acid position is well conserved in available vertebrate species. In addition, the in silico prediction for this alteration is inconclusive. Based on the available evidence, the clinical significance of this alteration remains unclear.

Genome Diagnostics Laboratory, The Hospital for Sick Children
Classification: Uncertain significance for Ehlers-Danlos syndrome. Last evaluated: 2021-03-24. Review status: criteria provided, single submitter. Criteria: ACMG Guidelines, 2015. Collection method: clinical testing. Allele origin: germline.

Illumina Laboratory Services, Illumina
Classification: Likely benign for Ehlers-Danlos syndrome, classic type, 1. Last evaluated: 2018-01-13. Review status: criteria provided, single submitter. Criteria: ICSL Variant Classification Criteria 13 December 2019. Collection method: clinical testing. Allele origin: germline.
Comment: This variant was observed in the ICSL laboratory as part of a predisposition screen in an ostensibly healthy population. It had not been previously curated by ICSL or reported in the Human Gene Mutation Database (HGMD: prior to June 1st, 2018), and was therefore a candidate for classification through an automated scoring system. Utilizing variant allele frequency, disease prevalence and penetrance estimates, and inheritance mode, an automated score was calculated to assess if this variant is too frequent to cause the disease. Based on the score and internal cut-off values, a variant classified as likely benign is not then subjected to further curation. The score for this variant resulted in a classification of likely benign for this disease.

NM_000093.5(COL5A1):c.4370C>T (p.Pro1457Leu)

Gene: COL5A1 (collagen type V alpha 1 chain; plus strand). Cytogenetic location: 9q34.3.
Variant type: single nucleotide variant.
Coding change: c.4370C>T on transcript NM_000093.5 (MANE Select); coding-DNA position 4370, C replaced by T.
Protein change: p.Pro1457Leu; replaces proline 1457 with leucine.
Molecular consequence: missense variant.
Genome position (GRCh38, 1-based): chr9:134,818,879, C>T. VCF-style: chr9-134818879-C-T. GRCh37 (hg19) VCF-style: chr9-137710725-C-T.
Other names: c.4370C>T, p.Pro1457Leu (NM_001278074.1); short protein forms P1457L.
Identifiers: ClinVar variation 365728 (VCV000365728.21), dbSNP rs201875250, ClinGen allele CA5320257.